The following is an entry in ClinVar:

ClinVar aggregate classification (germline): Benign/Likely benign. Review status: criteria provided, multiple submitters, no conflicts (2 of 4 stars). 22 submissions from 22 submitters: Benign (10); Likely benign (6). 6 of the submissions do not count toward it. Last evaluated 2026-07-01.

Conditions:
Breast and/or ovarian cancer. Identifiers: MedGen CN221562.
Hereditary cancer-predisposing syndrome. Also called: Neoplastic Syndromes, Hereditary; Tumor predisposition; Hereditary neoplastic syndrome; Hereditary Cancer Syndrome. Identifiers: Orphanet 140162, MedGen C0027672, MeSH D009386, MONDO:0015356.
Breast-ovarian cancer, familial, susceptibility to, 4. Identifiers: Orphanet 145, MedGen C3280345, MONDO:0013669, OMIM 614291.
Malignant tumor of breast. Also called: Malignant breast neoplasm; Cancer breast. Identifiers: MedGen C0006142, MONDO:0007254. Disease mechanism: loss of function.

Allele frequency attached by ClinVar (database versions not stated): gnomAD exomes 0.00127; ExAC 0.00164; TOPMed 0.00422; gnomAD 0.00423 and 0.00457; ESP Exome Variant Server 0.00454; 1000 Genomes Project 0.00479; 1000 Genomes Project 30x 0.00500.
gnomAD v4.1: 1,385 of 1,611,706 alleles (0.086%); highest among the groups gnomAD compares: African/African-American, 1.4%; 8 homozygotes.

Submissions (22):

CeGaT Center for Human Genetics Tuebingen
Classification: Likely benign. Last evaluated: 2026-07-01. Review status: criteria provided, single submitter. Criteria: CeGaT Center For Human Genetics Tuebingen Variant Classification Criteria Version 2. Collection method: clinical testing. Allele origin: germline. Affected: yes. Observed: 3 variant alleles.
Comment: RAD51D: BP4, BS1

Labcorp Genetics (formerly Invitae), Labcorp
Classification: Benign for Breast-ovarian cancer, familial, susceptibility to, 4. Last evaluated: 2026-02-04. Review status: criteria provided, single submitter. Criteria: Invitae Variant Classification Sherloc (09022015). Collection method: clinical testing. Allele origin: germline.

Dasa
Classification: Likely benign. Last evaluated: 2025-11-30. Review status: criteria provided, single submitter. Criteria: DASA Assertion Criteria. Collection method: clinical testing. Allele origin: germline.
Comment: NM_002878.4(RAD51D):c.695G>A (p.Arg232Gln) is a missense variant that results in the substitution of arginine with glutamine. Population frequency is inconsistent with a disease-causing role for this variant, and observations in unaffected individuals support a benign interpretation. Computational prediction algorithms are consistent with a benign effect. Therefore, based on the currently available evidence, this variant is classified as likely benign.

Mayo Clinic Laboratories, Mayo Clinic
Classification: Likely benign. Last evaluated: 2025-09-04. Review status: criteria provided, single submitter. Criteria: ACMG Guidelines, 2015. Collection method: clinical testing. Allele origin: germline. Observed: 3 variant alleles.
Comment: BS1, BP4

Quest Diagnostics Nichols Institute San Juan Capistrano
Classification: Benign. Last evaluated: 2025-07-11. Review status: criteria provided, single submitter. Criteria: Quest Diagnostics criteria. Collection method: clinical testing. Allele origin: unknown.

Center for Genomic Medicine, Rigshospitalet, Copenhagen University Hospital
Classification: Benign. Last evaluated: 2025-03-04. Review status: criteria provided, single submitter. Criteria: ACMG Guidelines, 2015. Collection method: clinical testing. Allele origin: germline.

Myriad Genetics, Inc.
Classification: Benign for Breast-ovarian cancer, familial, susceptibility to, 4. Last evaluated: 2024-12-19. Review status: criteria provided, single submitter. Criteria: Myriad Autosomal Dominant, Autosomal Recessive and X-Linked Classification Criteria (2023). Collection method: clinical testing. Allele origin: unknown.
Comment: This variant is considered benign. This variant has been observed at a population frequency that is significantly greater than expected given the associated disease prevalence and penetrance. This variant is strongly associated with less severe personal and family histories of cancer, typical for individuals without pathogenic variants in this gene [PMID: 25085752].

Blueprint Genetics
Classification: Likely benign. Last evaluated: 2024-10-14. Review status: criteria provided, single submitter. Criteria: ACMG Guidelines, 2015. Collection method: clinical testing. Allele origin: germline.

ARUP Laboratories, Molecular Genetics and Genomics, ARUP Laboratories
Classification: Likely benign for Breast-ovarian cancer, familial, susceptibility to, 4. Last evaluated: 2023-09-18. Review status: criteria provided, single submitter. Criteria: ARUP Molecular Germline Variant Investigation Process 2024. Collection method: clinical testing. Allele origin: germline.

CHEO Genetics Diagnostic Laboratory, Children's Hospital of Eastern Ontario
Classification: Benign for Breast and/or ovarian cancer. Last evaluated: 2022-05-18. Review status: criteria provided, single submitter. Criteria: ACMG Guidelines, 2015. Collection method: clinical testing. Allele origin: germline.

Genetic Services Laboratory, University of Chicago
Classification: Benign. Last evaluated: 2019-09-11. Review status: criteria provided, single submitter. Criteria: ACMG Guidelines, 2015. Collection method: clinical testing. Allele origin: germline. Affected: no.

PreventionGenetics, part of Exact Sciences
Classification: Benign. Last evaluated: 2017-06-20. Review status: criteria provided, single submitter. Criteria: ACMG Guidelines, 2015. Collection method: clinical testing. Allele origin: germline.

Color Diagnostics, LLC DBA Color Health
Classification: Benign for Hereditary cancer-predisposing syndrome. Last evaluated: 2014-12-23. Review status: criteria provided, single submitter. Criteria: ACMG Guidelines, 2015. Collection method: clinical testing. Allele origin: germline.

Ambry Genetics
Classification: Benign for Hereditary cancer-predisposing syndrome. Last evaluated: 2014-08-07. Review status: criteria provided, single submitter. Criteria: Ambry Variant Classification Scheme 2023. Collection method: clinical testing. Allele origin: germline.

GeneDx
Classification: Benign. Last evaluated: 2014-02-11. Review status: criteria provided, single submitter. Criteria: GeneDx Variant Classification (06012015). Collection method: clinical testing. Allele origin: germline. Affected: yes.
Comment: This variant is considered likely benign or benign based on one or more of the following criteria: it is a conservative change, it occurs at a poorly conserved position in the protein, it is predicted to be benign by multiple in silico algorithms, and/or has population frequency not consistent with disease.

Breakthrough Genomics
Classification: Likely benign. Review status: criteria provided, single submitter. Criteria: ACMG Guidelines, 2015. Collection method: not provided. Allele origin: germline. Inheritance: Unknown mechanism. Affected: yes.

True Health Diagnostics
Classification: Likely benign for Hereditary cancer-predisposing syndrome. Last evaluated: 2017-09-13. Review status: no assertion criteria provided. Collection method: clinical testing. Allele origin: germline. Not counted in ClinVar's aggregate classification.

Counsyl
Classification: Likely benign for Breast-ovarian cancer, familial, susceptibility to, 4. Last evaluated: 2016-06-13. Review status: no assertion criteria provided. Collection method: clinical testing. Allele origin: unknown. Not counted in ClinVar's aggregate classification.

Clinical Genetics Laboratory, Department of Pathology, Netherlands Cancer Institute
Classification: Benign. Review status: no assertion criteria provided. Collection method: clinical testing. Allele origin: germline. Affected: yes. Study: VKGL Data-share Consensus. Not counted in ClinVar's aggregate classification.

Department of Pathology and Laboratory Medicine, Sinai Health System
Classification: Likely benign for Malignant tumor of breast. Review status: no assertion criteria provided. Collection method: clinical testing. Allele origin: unknown. Affected: yes. Study: The Canadian Open Genetics Repository (COGR). Not counted in ClinVar's aggregate classification.
Comment: The RAD51D p.Arg232Gln variant was identified in 16 of 10424 proband chromosomes (frequency: 0.002) from individuals or families with breast cancer, ovarian cancer, primary myelofibrosis or lynch syndrome and was not identified in 2120 control chromosomes from healthy individuals (Gutierrez-Enriquez 2013, Loveday 2011, Pratz 2016, Tung 2015, Yurgelun 2015). The variant was also identified in dbSNP (ID: rs28363283) as "With other allele", and in ClinVar (classified as benign by GeneDx, Ambry Genetics, Invitae, Color Genomics, Quest Diagnostics Nichols Institute San Juan Capistrano; as likely benign by Counsyl). The variant was not identified in the Cosmic database. The variant was identified in control databases in 418 of 271350 chromosomes (3 homozygous) at a frequency of 0.002 increasing the likelihood this could be a low frequency benign variant (Genome Aggregation Database Feb 27, 2017). It was observed in the following populations: African in 328 of 23508 chromosomes (freq: 0.01), Other in 7 of 6346 chromosomes (freq: 0.001), Latino in 48 of 33802 chromosomes (freq: 0.001), European in 20 of 123952 chromosomes (freq: 0.0002), Ashkenazi Jewish in 14 of 9952 chromosomes (freq: 0.001), and South Asian in 1 of 30008 chromosomes (freq: 0.00003); it was not observed in the East Asian, and Finnish populations. The p.Arg232 residue is conserved in mammals but not in more distantly related organisms however four out of five computational analyses (PolyPhen-2, SIFT, AlignGVGD, BLOSUM, MutationTaster) do not suggest a high likelihood of impact to the protein; this information is not predictive enough to rule out pathogenicity. The variant occurs outside of the splicing consensus sequence and in silico or computational prediction software programs (SpliceSiteFinder, MaxEntScan, NNSPLICE, GeneSplicer, HumanSpliceFinder) do not predict a difference in splicing. In summary, based on the above information the clinical significance of this variant cannot be determined with certainty at this time although we would lean towards a more benign role for this variant. This variant is classified as likely benign.

Genome Diagnostics Laboratory, University Medical Center Utrecht
Classification: Benign. Review status: no assertion criteria provided. Collection method: clinical testing. Allele origin: germline. Affected: yes. Study: VKGL Data-share Consensus. Not counted in ClinVar's aggregate classification.

Joint Genome Diagnostic Labs from Nijmegen and Maastricht, Radboudumc and MUMC+
Classification: Likely benign. Review status: no assertion criteria provided. Collection method: clinical testing. Allele origin: germline. Affected: yes. Study: VKGL Data-share Consensus. Not counted in ClinVar's aggregate classification.

Literature cited by the submitters: PubMed 24130102 (cited by Quest Diagnostics Nichols Institute San Juan Capistrano and Counsyl); PubMed 25980754 (cited by Quest Diagnostics Nichols Institute San Juan Capistrano); PubMed 21822267 (cited by Quest Diagnostics Nichols Institute San Juan Capistrano and Counsyl); PubMed 22986143 (cited by Quest Diagnostics Nichols Institute San Juan Capistrano); PubMed 26979391 (cited by Quest Diagnostics Nichols Institute San Juan Capistrano); PubMed 25186627 (cited by Quest Diagnostics Nichols Institute San Juan Capistrano and Counsyl); PubMed 25085752 (cited by Myriad Genetics, Inc.).

NM_002878.4(RAD51D):c.695G>A (p.Arg232Gln)

Genes: RAD51D (RAD51 paralog D; minus strand), RAD51L3-RFFL (RAD51L3-RFFL readthrough; minus strand). Cytogenetic location: 17q12.
Variant type: single nucleotide variant.
Coding change: c.695G>A on transcript NM_002878.4 (MANE Select); coding-DNA position 695, G replaced by A.
Protein change: p.Arg232Gln; replaces arginine 232 with glutamine.
Molecular consequence: missense variant. On other transcripts: non-coding transcript variant (3).
Genome position (GRCh38, 1-based): chr17:35,103,297, C>T on the plus strand (G>A on the coding strand, the complement: RAD51D is on the minus strand). VCF-style: chr17-35103297-C-T. GRCh37 (hg19) VCF-style: chr17-33430316-C-T.
Other names: p.R232Q:CGA>CAA; c.755G>A, p.Arg252Gln (NM_001142571.2); c.359G>A, p.Arg120Gln (NM_133629.3); short protein forms R232Q, R252Q, R120Q.
Identifiers: ClinVar variation 138872 (VCV000138872.65), dbSNP rs28363283, ClinGen allele CA293027.